The following is an entry in ClinVar:

NM_002528.7(NTHL1):c.55del (p.Ala19fs)

Gene: NTHL1 (nth like DNA glycosylase 1; minus strand). Cytogenetic location: 16p13.3.
Variant type: Deletion.
Coding change: c.55del on transcript NM_002528.7 (MANE Select); coding-DNA position 55, one base deleted (G; older notation c.55delG).
Protein change: p.Ala19fs; shifts the reading frame from alanine 19.
Molecular consequence: frameshift variant. On other transcripts: 5 prime UTR variant (1).
Genome position (GRCh38, 1-based): chr16:2,047,769, C deleted on the plus strand (G on the coding strand, the reverse complement: NTHL1 is on the minus strand); the first of 4 consecutive C bases (chr16:2,047,769-2,047,772); deleting any one gives the same sequence. VCF-style (leftmost placement, unchanged base first): chr16-2047768-GC-G. GRCh37 (hg19) VCF-style: chr16-2097769-GC-G.
Other names: c.55del, p.Ala19fs (NM_001318193.2); c.-124del (NM_001318194.2); short protein forms A19fs.
Identifiers: ClinVar variation 3254240 (VCV003254240.1), dbSNP rs2548331798.
Genomic context (GRCh38, chr16:2,047,768, plus strand): 5'-CCTGCTGCAGCCTCTCTTCTCCGGAGAGGCCCGGGCTCCTCCCTACACCCCCGCGGCCCA[GC>G]CCCGGGTCCCAGGCTCCGGCTCCGGGTCAGCATCCTCGCGCTCAAGGCGGTCATGCCGGA-3'

ClinVar aggregate classification (germline): Pathogenic (1 of 4 stars; one submission).

Conditions:
Familial adenomatous polyposis 3. Also called: NTHL1-associated polyposis; NTHL1-Related Adenomatous Polyposis and Colorectal Cancer; NTHL1-related attenuated familial adenomatous polyposis; NTHL1 Tumor Syndrome. Identifiers: Orphanet 220460, Orphanet 454840, MedGen C4225157, MONDO:0014630, OMIM 616415.

Submission:

Myriad Genetics, Inc.
Classification: Pathogenic for Familial adenomatous polyposis 3. Last evaluated: 2024-06-10. Review status: criteria provided, single submitter. Criteria: Myriad Autosomal Dominant, Autosomal Recessive and X-Linked Classification Criteria (2023). Collection method: clinical testing. Allele origin: unknown.
Comment: This variant is considered pathogenic. This variant creates a frameshift predicted to result in premature protein truncation.